The following is an entry in ClinVar:

ClinVar aggregate classification (germline): Uncertain significance (1 of 4 stars; one submission).

Submission:

Labcorp Genetics (formerly Invitae), Labcorp
Classification: Uncertain significance. Last evaluated: 2025-04-11. Review status: criteria provided, single submitter. Criteria: Invitae Variant Classification Sherloc (09022015). Collection method: clinical testing. Allele origin: germline.
Comment: This sequence change replaces serine, which is neutral and polar, with asparagine, which is neutral and polar, at codon 161 of the IFT88 protein (p.Ser161Asn). This variant is not present in population databases (gnomAD no frequency). This variant has not been reported in the literature in individuals affected with IFT88-related conditions. An algorithm developed to predict the effect of missense changes on protein structure and function (PolyPhen-2) suggests that this variant is likely to be disruptive. In summary, the available evidence is currently insufficient to determine the role of this variant in disease. Therefore, it has been classified as a Variant of Uncertain Significance.

NM_006531.5(IFT88):c.455G>A (p.Ser152Asn)

Gene: IFT88 (intraflagellar transport 88; plus strand). Cytogenetic location: 13q12.11.
Variant type: single nucleotide variant.
Coding change: c.455G>A on transcript NM_006531.5 (MANE Select); coding-DNA position 455, G replaced by A.
Protein change: p.Ser152Asn; replaces serine 152 with asparagine.
Molecular consequence: missense variant. On other transcripts: 5 prime UTR variant (1), non-coding transcript variant (5).
Genome position (GRCh38, 1-based): chr13:20,596,206, G>A. VCF-style: chr13-20596206-G-A. GRCh37 (hg19) VCF-style: chr13-21170345-G-A.
Other names: c.398G>A, p.Ser133Asn (NM_001318491.2, NM_001353573.2, NM_001353574.2 and 1 more transcripts); c.482G>A, p.Ser161Asn (NM_001318493.2, NM_001353565.2, NM_001353566.2 and 6 more transcripts); c.455G>A, p.Ser152Asn (NM_001353568.2, NM_001353571.2, NM_001353572.2 and 1 more transcripts); c.-179G>A (NM_001353579.2); short protein forms S161N, S152N, S133N.
Identifiers: ClinVar variation 4753568 (VCV004753568.1).